The following is an entry in ClinVar:

NM_000264.5(PTCH1):c.741C>A (p.Tyr247Ter)

Gene: PTCH1 (patched 1; minus strand). Cytogenetic location: 9q22.32.
Variant type: single nucleotide variant.
Coding change: c.741C>A on transcript NM_000264.5 (MANE Select); coding-DNA position 741, C replaced by A.
Protein change: p.Tyr247Ter; replaces tyrosine 247 with a stop codon.
Molecular consequence: nonsense. On other transcripts: non-coding transcript variant (1).
Genome position (GRCh38, 1-based): chr9:95,481,954, G>T on the plus strand (C>A on the coding strand, the complement: PTCH1 is on the minus strand). VCF-style: chr9-95481954-G-T. GRCh37 (hg19) VCF-style: chr9-98244236-G-T.
Other names: c.543C>A, p.Tyr181Ter (NM_001083602.3, NM_001354919.2); c.738C>A, p.Tyr246Ter (NM_001083603.3); c.288C>A, p.Tyr96Ter (NM_001083604.3, NM_001083605.3, NM_001083606.3 and 1 more transcripts); c.741C>A, p.Tyr247Ter (NM_001354918.2); short protein forms Y181*, Y247*, Y96*, Y246*.
Identifiers: ClinVar variation 409170 (VCV000409170.11), dbSNP rs1060502281, ClinGen allele CA16612940.
Genomic context (GRCh38, chr9:95,481,954, plus strand): 5'-AAACACTGAGTCCTAGAGAAGTCACAGACATCAGAAAGCATGATCACACACTTACAGGAG[G>T]TATGCTGTCCCAGACTGTAATTTCGCCCCTTCCCAGAAGCAGTCCAAAGGTGTAATAATC-3'

ClinVar aggregate classification (germline): Pathogenic. Review status: criteria provided, multiple submitters, no conflicts (2 of 4 stars). 2 submissions from 2 submitters: Pathogenic (2). Last evaluated 2021-03-12.

Conditions:
Gorlin syndrome. Also called: Nevoid Basal Cell Carcinoma Syndrome; Basal cell nevus syndrome. Identifiers: Orphanet 377, MedGen C0004779, MONDO:0007187.
Hereditary cancer-predisposing syndrome. Also called: Hereditary neoplastic syndrome; Neoplastic Syndromes, Hereditary; Tumor predisposition; Hereditary Cancer Syndrome. Identifiers: Orphanet 140162, MedGen C0027672, MeSH D009386, MONDO:0015356.

Submissions (2):

Labcorp Genetics (formerly Invitae), Labcorp
Classification: Pathogenic for Gorlin syndrome. Last evaluated: 2021-03-12. Review status: criteria provided, single submitter. Criteria: Invitae Variant Classification Sherloc (09022015). Collection method: clinical testing. Allele origin: germline.
Comment: For these reasons, this variant has been classified as Pathogenic. This variant has not been reported in the literature in individuals with PTCH1-related conditions. ClinVar contains an entry for this variant (Variation ID: 409170). This variant is not present in population databases (ExAC no frequency). This sequence change creates a premature translational stop signal (p.Tyr247*) in the PTCH1 gene. It is expected to result in an absent or disrupted protein product. Loss-of-function variants in PTCH1 are known to be pathogenic (PMID: 16301862, 16419085).

Ambry Genetics
Classification: Pathogenic for Hereditary cancer-predisposing syndrome. Last evaluated: 2015-04-02. Review status: criteria provided, single submitter. Criteria: Ambry Variant Classification Scheme 2023. Collection method: clinical testing. Allele origin: germline.
Comment: The p.Y247* pathogenic mutation (also known as c.741C>A), located in coding exon 5 of the PTCH1 gene, results from a C to A substitution at nucleotide position 741. This changes the amino acid from a tyrosine to a stop codon within coding exon 5. Since premature stop codons are typically deleterious in nature, this alteration is interpreted as a disease-causing mutation (ACMG Recommendations for Standards for Interpretation and Reporting of Sequence Variations. Revision 2007. Genet Med. 2008;10:294).

Literature cited by the submitters: PubMed 16301862 (cited by Labcorp Genetics (formerly Invitae), Labcorp); PubMed 16419085 (cited by Labcorp Genetics (formerly Invitae), Labcorp).